The following is an entry in ClinVar:

ClinVar aggregate classification (germline): Uncertain significance (1 of 4 stars; one submission).

gnomAD v4.1: 7 of 1,614,078 alleles (0.00043%); highest among the groups gnomAD compares: Admixed American, 0.012%; no homozygotes.

Submission:

GeneDx
Classification: Uncertain significance. Last evaluated: 2026-04-15. Review status: criteria provided, single submitter. Criteria: GeneDx Variant Classification Process June 2021. Collection method: clinical testing. Allele origin: germline.
Comment: In silico analysis supports that this missense variant has a deleterious effect on protein structure/function; Has not been previously published as pathogenic or benign to our knowledge

NM_003242.6(TGFBR2):c.756A>C (p.Lys252Asn)

Gene: TGFBR2 (transforming growth factor beta receptor 2; plus strand). Cytogenetic location: 3p24.1.
Variant type: single nucleotide variant.
Coding change: c.756A>C on transcript NM_003242.6 (MANE Select); coding-DNA position 756, A replaced by C.
Protein change: p.Lys252Asn; replaces lysine 252 with asparagine.
Molecular consequence: missense variant. On other transcripts: intron variant (1).
Genome position (GRCh38, 1-based): chr3:30,671,939, A>C. VCF-style: chr3-30671939-A-C. GRCh37 (hg19) VCF-style: chr3-30713431-A-C.
Other names: c.831A>C, p.Lys277Asn (NM_001024847.3); c.939A>C, p.Lys313Asn (NM_001407126.1); c.864A>C, p.Lys288Asn (NM_001407127.1); c.783A>C, p.Lys261Asn (NM_001407128.1); c.759A>C, p.Lys253Asn (NM_001407129.1); c.756A>C, p.Lys252Asn (NM_001407130.1); c.651A>C, p.Lys217Asn (NM_001407132.1, NM_001407133.1, NM_001407134.1 and 2 more transcripts); c.471A>C, p.Lys157Asn (NM_001407137.1); and 2 more; short protein forms K132N, K157N, K217N, K252N, K253N, K261N, K277N, K288N.
Identifiers: ClinVar variation 5037271 (VCV005037271.1).